The following is an entry in ClinVar:

ClinVar aggregate classification (germline): Benign. Review status: criteria provided, multiple submitters, no conflicts (2 of 4 stars). 2 submissions from 2 submitters: Benign (2). Last evaluated 2017-04-27.

Conditions:
Kindler syndrome (KNDLRS). Also called: Poikiloderma of Kindler; Congenital bullous poikiloderma; BULLOUS ACROKERATOTIC POIKILODERMA OF KINDLER AND WEARY; POIKILODERMA, CONGENITAL, WITH BULLAE, WEARY TYPE; POIKILODERMA, HEREDITARY ACROKERATOTIC; Hereditary acrokeratotic poikiloderma of Weary. Identifiers: Orphanet 2908, Orphanet 306539, MedGen C0406557, MONDO:0008260, OMIM 173650.

Allele frequency attached by ClinVar (database versions not stated): 1000 Genomes Project 30x 0.00671; gnomAD 0.00715 and 0.00763; 1000 Genomes Project 0.00739; TOPMed 0.00800.

Submissions (2):

Illumina Laboratory Services, Illumina
Classification: Benign for Kindler syndrome. Last evaluated: 2017-04-27. Review status: criteria provided, single submitter. Criteria: ICSL Variant Classification Criteria 13 December 2019. Collection method: clinical testing. Allele origin: germline.
Comment: This variant was observed as part of a predisposition screen in an ostensibly healthy population. A literature search was performed for the gene, cDNA change, and amino acid change (where applicable). No publications were found based on this search. Allele frequency data from public databases was too high to be consistent with this variant causing disease. Therefore, this variant is classified as benign.

Breakthrough Genomics
Classification: Benign. Review status: criteria provided, single submitter. Criteria: ACMG Guidelines, 2015. Collection method: not provided. Allele origin: germline. Inheritance: Autosomal recessive inheritance. Affected: yes.

NM_017671.5(FERMT1):c.*1195A>G

Gene: FERMT1 (FERM domain containing kindlin 1; minus strand). Cytogenetic location: 20p12.3.
Variant type: single nucleotide variant.
Coding change: c.*1195A>G on transcript NM_017671.5 (MANE Select); 1195 bases downstream of the stop codon, A replaced by G.
Molecular consequence: 3 prime UTR variant.
Genome position (GRCh38, 1-based): chr20:6,075,978, T>C on the plus strand (A>G on the coding strand, the complement: FERMT1 is on the minus strand). VCF-style: chr20-6075978-T-C. GRCh37 (hg19) VCF-style: chr20-6056625-T-C.
Identifiers: ClinVar variation 898853 (VCV000898853.5), dbSNP rs111645039, ClinGen allele CA311210170.